The following is an entry in ClinVar:

NM_001429.4(EP300):c.2110C>T (p.Pro704Ser)

Gene: EP300 (EP300 lysine acetyltransferase; plus strand). Cytogenetic location: 22q13.2.
Variant type: single nucleotide variant.
Coding change: c.2110C>T on transcript NM_001429.4 (MANE Select); coding-DNA position 2110, C replaced by T.
Protein change: p.Pro704Ser; replaces proline 704 with serine.
Molecular consequence: missense variant. On other transcripts: intron variant (1).
Genome position (GRCh38, 1-based): chr22:41,146,795, C>T. VCF-style: chr22-41146795-C-T. GRCh37 (hg19) VCF-style: chr22-41542799-C-T.
Other names: c.2054-1042C>T (NM_001362843.2); short protein forms P704S.
Identifiers: ClinVar variation 1290618 (VCV001290618.14), dbSNP rs149858781, ClinGen allele CA10252730.

ClinVar aggregate classification (germline): Benign/Likely benign. Review status: criteria provided, multiple submitters, no conflicts (2 of 4 stars). 4 submissions from 4 submitters: Benign (1); Likely benign (2). 1 of the submissions does not count toward it. Last evaluated 2025-11-24.

Conditions:
Rubinstein-Taybi syndrome due to EP300 haploinsufficiency. Also called: EP300-Related Rubinstein-Taybi Syndrome; RUBINSTEIN-TAYBI SYNDROME 2. Identifiers: Orphanet 353284, Orphanet 783, MedGen C3150941, MONDO:0013364, OMIM 613684.
Inborn genetic diseases. Identifiers: MedGen C0950123, MeSH D030342.
EP300-related disorder. Also called: EP300-related condition; EP300-related disorders.

Allele frequency attached by ClinVar (database versions not stated): gnomAD exomes 0.00001 and 0.00004; ExAC 0.00005; gnomAD 0.00021 and 0.00022; TOPMed 0.00021; ESP Exome Variant Server 0.00054.
gnomAD v4.1: 54 of 1,613,898 alleles (0.0033%); highest among the groups gnomAD compares: African/African-American, 0.056%; no homozygotes.

Submissions (4):

Labcorp Genetics (formerly Invitae), Labcorp
Classification: Likely benign for Rubinstein-Taybi syndrome due to EP300 haploinsufficiency. Last evaluated: 2025-11-24. Review status: criteria provided, single submitter. Criteria: Invitae Variant Classification Sherloc (09022015). Collection method: clinical testing. Allele origin: germline.

Ambry Genetics
Classification: Likely benign for Inborn genetic diseases. Last evaluated: 2025-04-11. Review status: criteria provided, single submitter. Criteria: Ambry Variant Classification Scheme 2023. Collection method: clinical testing. Allele origin: germline.

GeneDx
Classification: Benign. Last evaluated: 2020-03-04. Review status: criteria provided, single submitter. Criteria: GeneDx Variant Classification Process June 2021. Collection method: clinical testing. Allele origin: germline. Affected: yes.

PreventionGenetics, part of Exact Sciences
Classification: Likely benign for EP300-related condition. Last evaluated: 2022-02-12. Review status: no assertion criteria provided. Collection method: clinical testing. Allele origin: germline. Not counted in ClinVar's aggregate classification.
Comment: This variant is classified as likely benign based on ACMG/AMP sequence variant interpretation guidelines (Richards et al. 2015 PMID: 25741868, with internal and published modifications).